The following is an entry in ClinVar:

NM_020436.5(SALL4):c.2114C>G (p.Ser705Cys)

Gene: SALL4 (spalt like transcription factor 4; minus strand). Cytogenetic location: 20q13.2.
Variant type: single nucleotide variant.
Coding change: c.2114C>G on transcript NM_020436.5 (MANE Select); coding-DNA position 2114, C replaced by G.
Protein change: p.Ser705Cys; replaces serine 705 with cysteine.
Molecular consequence: missense variant. On other transcripts: intron variant (1).
Genome position (GRCh38, 1-based): chr20:51,790,369, G>C on the plus strand (C>G on the coding strand, the complement: SALL4 is on the minus strand). VCF-style: chr20-51790369-G-C. GRCh37 (hg19) VCF-style: chr20-50406908-G-C.
Other names: c.2114C>G (NM_020436.4); c.1150+964C>G (NM_001318031.2); short protein forms S705C.
Identifiers: ClinVar variation 2737635 (VCV002737635.4), dbSNP rs370485562, ClinGen allele CA9912168.

ClinVar aggregate classification (germline): Uncertain significance. Review status: criteria provided, multiple submitters, no conflicts (2 of 4 stars). 2 submissions from 2 submitters: Uncertain significance (2). Last evaluated 2025-09-03.

Conditions:
SALL4-Related Disorders. Also called: SALL4-related condition; SALL4-related disorder. Identifiers: MedGen CN381056.
Duane-radial ray syndrome (DRRS). Also called: Duane-Radial Ray Syndrome (DRRS) / Okihiro Syndrome; ACRORENOOCULAR SYNDROME; DR SYNDROME; DUANE ANOMALY WITH RADIAL RAY ABNORMALITIES AND DEAFNESS; Okihiro Syndrome; Duane-Radial Ray Syndrome/Okihiro Syndrome. Identifiers: Orphanet 93293, Orphanet 959, MedGen C1623209, MONDO:0011812, OMIM 607323. Disease mechanism: gain of function.

Allele frequency attached by ClinVar (database versions not stated): ExAC 0.00004; ESP Exome Variant Server 0.00008.
gnomAD v4.1: 35 of 1,614,016 alleles (0.0022%); highest among the groups gnomAD compares: Non-Finnish European, 0.0029%; no homozygotes.

Submissions (2):

PreventionGenetics, part of Exact Sciences
Classification: Uncertain significance for SALL4-related condition. Last evaluated: 2025-09-03. Review status: criteria provided, single submitter. Criteria: ACMG Guidelines, 2015. Collection method: clinical testing. Allele origin: germline.
Comment: The SALL4 c.2114C>G variant is predicted to result in the amino acid substitution p.Ser705Cys. To our knowledge, this variant has not been reported in the literature. This variant is reported in 0.0044% of alleles in individuals of European (Non-Finnish) descent in gnomAD. At this time, the clinical significance of this variant is uncertain due to the absence of conclusive functional and genetic evidence.

Labcorp Genetics (formerly Invitae), Labcorp
Classification: Uncertain significance for Duane-radial ray syndrome. Last evaluated: 2025-03-07. Review status: criteria provided, single submitter. Criteria: Invitae Variant Classification Sherloc (09022015). Collection method: clinical testing. Allele origin: germline.
Comment: This sequence change replaces serine, which is neutral and polar, with cysteine, which is neutral and slightly polar, at codon 705 of the SALL4 protein (p.Ser705Cys). This variant is present in population databases (rs370485562, gnomAD 0.004%). This variant has not been reported in the literature in individuals affected with SALL4-related conditions. ClinVar contains an entry for this variant (Variation ID: 2737635). An algorithm developed to predict the effect of missense changes on protein structure and function (PolyPhen-2) suggests that this variant is likely to be tolerated. In summary, the available evidence is currently insufficient to determine the role of this variant in disease. Therefore, it has been classified as a Variant of Uncertain Significance.